The following is an entry in ClinVar:

NM_015311.3(OBSL1):c.4390C>T (p.Gln1464Ter)

Gene: OBSL1 (obscurin like cytoskeletal adaptor 1; minus strand). Cytogenetic location: 2q35.
Variant type: single nucleotide variant.
Coding change: c.4390C>T on transcript NM_015311.3 (MANE Select); coding-DNA position 4390, C replaced by T.
Protein change: p.Gln1464Ter; replaces glutamine 1464 with a stop codon.
Molecular consequence: nonsense.
Genome position (GRCh38, 1-based): chr2:219,556,239, G>A on the plus strand (C>T on the coding strand, the complement: OBSL1 is on the minus strand). VCF-style: chr2-219556239-G-A. GRCh37 (hg19) VCF-style: chr2-220420961-G-A.
Other names: c.4390C>T, p.Gln1464Ter (NM_001173431.2); short protein forms Q1464*.
Identifiers: ClinVar variation 996217 (VCV000996217.1), dbSNP rs1297285640, ClinGen allele CA350727596.
Genomic context (GRCh38, chr2:219,556,239, plus strand): 5'-CCCAGCGCACGGCCCCCGCTGCACCCACTCGGCCTGTCTCCACTTCGAGACACACATCCT[G>A]GCCTTCCTCTGCCCGCACATCCTGCAACCGCCGTAGGAACAGCAGCTCTGTCTCTGGTGG-3'

ClinVar aggregate classification (germline): Uncertain significance (1 of 4 stars; one submission).

Submission:

Women's Health and Genetics/Laboratory Corporation of America, LabCorp
Classification: Uncertain significance. Last evaluated: 2020-12-31. Review status: criteria provided, single submitter. Criteria: LabCorp Variant Classification Summary - May 2015. Collection method: clinical testing. Allele origin: germline.
Comment: Variant summary: OBSL1 c.4390C>T (p.Gln1464X) results in a premature termination codon, predicted to cause a truncation of the encoded protein or absence of the protein due to nonsense mediated decay. Truncations upstream of this variant, within the first six exons of the OBSL1 protein, have been associated with disease, however the consequences of truncating variants in other regions of the protein, such as this one in exon 14, are not clear. The variant was absent in 240994 control chromosomes (gnomAD). The available data on variant occurrences in the general population are insufficient to allow any conclusion about variant significance. To our knowledge, no occurrence of c.4390C>T in individuals affected with Three M Syndrome 2 and no experimental evidence demonstrating its impact on protein function have been reported. Truncating mutations clustering near the N-terminus (within the first six exons of OBSL1) have been reported in multiple families with Three M Syndrome (e.g. Hanson_2009; PMID 19481195), however to the best of our knowledge, no mutations around or downstream of the current variant have been reported in patients in the literature. No clinical diagnostic laboratories have submitted clinical-significance assessments for this variant to ClinVar after 2014. Based on the evidence outlined above, the variant was classified as uncertain significance.